The following is an entry in ClinVar:

NM_006415.4(SPTLC1):c.719G>A (p.Arg240His)

Gene: SPTLC1 (serine palmitoyltransferase long chain base subunit 1; minus strand). Cytogenetic location: 9q22.31.
Variant type: single nucleotide variant.
Coding change: c.719G>A on transcript NM_006415.4 (MANE Select); coding-DNA position 719, G replaced by A.
Protein change: p.Arg240His; replaces arginine 240 with histidine.
Molecular consequence: missense variant.
Genome position (GRCh38, 1-based): chr9:92,055,466, C>T on the plus strand (G>A on the coding strand, the complement: SPTLC1 is on the minus strand). VCF-style: chr9-92055466-C-T. GRCh37 (hg19) VCF-style: chr9-94817748-C-T.
Other names: c.719G>A, p.Arg240His (NM_001281303.2); c.353G>A, p.Arg118His (NM_001368272.1); c.254G>A, p.Arg85His (NM_001368273.1); short protein forms R85H, R240H, R118H.
Identifiers: ClinVar variation 2717207 (VCV002717207.4), dbSNP rs748110823, ClinGen allele CA5121450.

ClinVar aggregate classification (germline): Uncertain significance. Review status: criteria provided, multiple submitters, no conflicts (2 of 4 stars). 2 submissions from 2 submitters: Uncertain significance (2). Last evaluated 2024-01-29.

Conditions:
Hereditary sensory and autonomic neuropathy type 1 (HSAN1). Also called: HSAN 1; HSN Type I; Hereditary Sensory Neuropathy Type I. Identifiers: Orphanet 36386, MedGen C0020071, MONDO:0018213.
Inborn genetic diseases. Identifiers: MedGen C0950123, MeSH D030342.

Allele frequency attached by ClinVar (database versions not stated): ExAC 0.00001; gnomAD 0.00001.
gnomAD v4.1: 10 of 1,613,592 alleles (0.00062%); highest among the groups gnomAD compares: Middle Eastern, 0.033%; no homozygotes.

Submissions (2):

Ambry Genetics
Classification: Uncertain significance for Inborn genetic diseases. Last evaluated: 2024-01-29. Review status: criteria provided, single submitter. Criteria: Ambry Variant Classification Scheme 2023. Collection method: clinical testing. Allele origin: germline.

Labcorp Genetics (formerly Invitae), Labcorp
Classification: Uncertain significance for Hereditary sensory and autonomic neuropathy type 1. Last evaluated: 2023-11-09. Review status: criteria provided, single submitter. Criteria: Invitae Variant Classification Sherloc (09022015). Collection method: clinical testing. Allele origin: germline.
Comment: This sequence change replaces arginine, which is basic and polar, with histidine, which is basic and polar, at codon 240 of the SPTLC1 protein (p.Arg240His). This variant is present in population databases (rs748110823, gnomAD 0.002%). This variant has not been reported in the literature in individuals affected with SPTLC1-related conditions. Advanced modeling of protein sequence and biophysical properties (such as structural, functional, and spatial information, amino acid conservation, physicochemical variation, residue mobility, and thermodynamic stability) performed at Invitae indicates that this missense variant is expected to disrupt SPTLC1 protein function with a positive predictive value of 80%. In summary, the available evidence is currently insufficient to determine the role of this variant in disease. Therefore, it has been classified as a Variant of Uncertain Significance.